The following is an entry in ClinVar:

ClinVar aggregate classification (germline): Pathogenic (1 of 4 stars; one submission).

Conditions:
Lynch syndrome 5 (LYNCH5). Also called: Colorectal cancer, hereditary nonpolyposis, type 5; Hereditary non-polyposis colorectal cancer, type 5. Identifiers: Orphanet 144, MedGen C1833477, MONDO:0013710, OMIM 614350. Disease mechanism: loss of function.

Submission:

Myriad Genetics, Inc.
Classification: Pathogenic for Lynch syndrome 5. Last evaluated: 2023-08-10. Review status: criteria provided, single submitter. Criteria: Myriad Autosomal Dominant, Autosomal Recessive and X-Linked Classification Criteria (2023). Collection method: clinical testing. Allele origin: unknown.
Comment: This variant is considered pathogenic. This variant creates a frameshift predicted to result in premature protein truncation.

NM_000179.3(MSH6):c.666_667del (p.Asp222fs)

Gene: MSH6 (mutS homolog 6; plus strand). Cytogenetic location: 2p16.3.
Variant type: Deletion.
Coding change: c.666_667del on transcript NM_000179.3 (MANE Select); coding-DNA positions 666 to 667, 2 bases deleted (TA; older notation c.666_667delTA).
Protein change: p.Asp222fs; shifts the reading frame from aspartic acid 222.
Molecular consequence: frameshift variant. On other transcripts: 5 prime UTR variant (9), non-coding transcript variant (4), intron variant (1).
Genome position (GRCh38, 1-based): chr2:47,798,649-47,798,650, TA deleted; deleting any 2 consecutive bases within chr2:47,798,648-47,798,650 gives the same sequence; the c. name uses the placement nearest the transcript's 3' end. VCF-style (leftmost placement, unchanged base first): chr2-47798647-GAT-G. GRCh37 (hg19) VCF-style: chr2-48025786-GAT-G.
Other names: c.276_277del, p.Asp92fs (NM_001281492.2); c.-241_-240del (NM_001281493.2, NM_001281494.2, NM_001406811.1 and 6 more transcripts); c.762_763del, p.Asp254fs (NM_001406795.1, NM_001406802.1); c.666_667del, p.Asp222fs (NM_001406796.1, NM_001406798.1, NM_001406800.1 and 4 more transcripts); c.369_370del, p.Asp123fs (NM_001406797.1, NM_001406801.1, NM_001406805.1 and 10 more transcripts); c.141_142del, p.Asp47fs (NM_001406799.1, NM_001406806.1, NM_001406807.1); c.588_589del, p.Asp196fs (NM_001406804.1); c.672_673del, p.Asp224fs (NM_001406813.1); and 2 more; short protein forms D123fs, D166fs, D196fs, D222fs, D224fs, D254fs, D47fs, D92fs.
Identifiers: ClinVar variation 2673735 (VCV002673735.1), dbSNP rs2530564564, ClinGen allele CA2695200236.